The following is an entry in ClinVar:

NM_000334.4(SCN4A):c.1917G>T (p.Gln639His)

Gene: SCN4A (sodium voltage-gated channel alpha subunit 4; minus strand). Cytogenetic location: 17q23.3.
Variant type: single nucleotide variant.
Coding change: c.1917G>T on transcript NM_000334.4 (MANE Select); coding-DNA position 1917, G replaced by T.
Protein change: p.Gln639His; replaces glutamine 639 with histidine.
Molecular consequence: missense variant.
Genome position (GRCh38, 1-based): chr17:63,959,367, C>A on the plus strand (G>T on the coding strand, the complement: SCN4A is on the minus strand). VCF-style: chr17-63959367-C-A. GRCh37 (hg19) VCF-style: chr17-62036727-C-A.
Other names: short protein forms Q639H.
Identifiers: ClinVar variation 859712 (VCV000859712.12), dbSNP rs375403086, ClinGen allele CA8709708.

ClinVar aggregate classification (germline): Uncertain significance. Review status: criteria provided, multiple submitters, no conflicts (2 of 4 stars). 3 submissions from 3 submitters: Uncertain significance (3). Last evaluated 2025-10-09.

Conditions:
Hyperkalemic periodic paralysis. Also called: Familial hyperkalemic periodic paralysis; Gamstorp disease. Identifiers: Orphanet 682, MedGen C0238357, MONDO:0008224, OMIM 170500, HP:0007215.
Congenital myopathy 22A, classic (CMYO22A). Identifiers: MedGen C5830453, MONDO:0957247, OMIM 620351.
Congenital myopathy 22B, severe fetal (CMYO22B). Identifiers: MedGen C5830501, MONDO:0957265, OMIM 620369.
Paramyotonia congenita of Von Eulenburg. Also called: Eulenburg disease; Myotonia congenita intermittens; Von Eulenburg paramyotonia congenita; Paramyotonia Congenita; PARALYSIS PERIODICA PARAMYOTONICA. Identifiers: Orphanet 684, MedGen C0221055, MONDO:0008195, OMIM 168300. Disease mechanism: loss of function.
Hypokalemic periodic paralysis, type 2 (HOKPP2). Identifiers: Orphanet 681, MedGen C2750061, MONDO:0013234, OMIM 613345.
Potassium-aggravated myotonia. Also called: MYOTONIA CONGENITA, ACETAZOLAMIDE-RESPONSIVE; MYOTONIA CONGENITA, ATYPICAL; SODIUM CHANNEL MUSCLE DISEASE; Myotonia congenita, atypical, acetazolamide-responsive. Identifiers: Orphanet 612, Orphanet 99734, Orphanet 99735, Orphanet 99736, MedGen C2931826, MONDO:0018959, OMIM 608390.
Congenital myasthenic syndrome 16. Identifiers: Orphanet 590, MedGen C3280112, MONDO:0013620, OMIM 614198.

Allele frequency attached by ClinVar (database versions not stated): gnomAD exomes 0.00002 and 0.00008; ExAC 0.00003; ESP Exome Variant Server 0.00008; gnomAD 0.00004; TOPMed 0.00004.
gnomAD v4.1: 117 of 1,613,782 alleles (0.0073%); highest among the groups gnomAD compares: Non-Finnish European, 0.0097%; no homozygotes.

Submissions (3):

Labcorp Genetics (formerly Invitae), Labcorp
Classification: Uncertain significance for Hyperkalemic periodic paralysis. Last evaluated: 2025-10-09. Review status: criteria provided, single submitter. Criteria: Invitae Variant Classification Sherloc (09022015). Collection method: clinical testing. Allele origin: germline.
Comment: This sequence change replaces glutamine, which is neutral and polar, with histidine, which is basic and polar, at codon 639 of the SCN4A protein (p.Gln639His). This variant is present in population databases (rs375403086, gnomAD 0.006%). This variant has not been reported in the literature in individuals affected with SCN4A-related conditions. ClinVar contains an entry for this variant (Variation ID: 859712). Invitae Evidence Modeling of protein sequence and biophysical properties (such as structural, functional, and spatial information, amino acid conservation, physicochemical variation, residue mobility, and thermodynamic stability) has been performed for this missense variant. However, the output from this modeling did not meet the statistical confidence thresholds required to predict the impact of this variant on SCN4A protein function. In summary, the available evidence is currently insufficient to determine the role of this variant in disease. Therefore, it has been classified as a Variant of Uncertain Significance.

Fulgent Genetics
Classification: Uncertain significance for Paramyotonia congenita of Von Eulenburg; Hyperkalemic periodic paralysis; Potassium-aggravated myotonia; Hypokalemic periodic paralysis, type 2; Congenital myasthenic syndrome 16; Congenital myopathy 22A, classic; Congenital myopathy 22B, severe fetal. Last evaluated: 2024-06-06. Review status: criteria provided, single submitter. Criteria: ACMG Guidelines, 2015. Collection method: clinical testing. Allele origin: germline.

Revvity Omics, Revvity
Classification: Uncertain significance. Last evaluated: 2022-12-08. Review status: criteria provided, single submitter. Criteria: ACMG Guidelines, 2015. Collection method: clinical testing. Allele origin: germline.